The following is an entry in ClinVar:

NM_024649.5(BBS1):c.863T>G (p.Leu288Arg)

Genes: BBS1 (Bardet-Biedl syndrome 1; plus strand), ZDHHC24 (zDHHC palmitoyltransferase 24; minus strand). Cytogenetic location: 11q13.2.
Variant type: single nucleotide variant.
Coding change: c.863T>G on transcript NM_024649.5 (MANE Select); coding-DNA position 863, T replaced by G.
Protein change: p.Leu288Arg; replaces leucine 288 with arginine.
Molecular consequence: missense variant. On other transcripts: intron variant (1).
Genome position (GRCh38, 1-based): chr11:66,523,488, T>G. VCF-style: chr11-66523488-T-G. GRCh37 (hg19) VCF-style: chr11-66290959-T-G.
Other names: c.*22-2022A>C (NM_001348571.2); short protein forms L288R.
Identifiers: ClinVar variation 2735666 (VCV002735666.4), dbSNP rs2495776917, ClinGen allele CA381461421.

ClinVar aggregate classification (germline): Pathogenic/Likely pathogenic. Review status: criteria provided, multiple submitters, no conflicts (2 of 4 stars). 2 submissions from 2 submitters: Pathogenic (1); Likely pathogenic (1). Last evaluated 2026-02-22.

Conditions:
Bardet-Biedl syndrome 1 (BBS1). Identifiers: MedGen C2936862, MONDO:0008854, OMIM 209900. Disease mechanism: loss of function.
Bardet-Biedl syndrome (BBS). Identifiers: Orphanet 110, MedGen C0752166, MONDO:0015229.

gnomAD v4.1: 1 of 1,614,124 alleles (0.000062%); no homozygotes.

Submissions (2):

Laboratorio de Genetica e Diagnostico Molecular, Hospital Israelita Albert Einstein
Classification: Likely pathogenic for Bardet-Biedl syndrome 1. Last evaluated: 2026-02-22. Review status: criteria provided, single submitter. Criteria: ACMG Guidelines, 2015. Collection method: clinical testing. Allele origin: germline. Affected: yes.
Comment: ACMG classification criteria: PM2 supporting, PM3 strong, PP1 supporting

Labcorp Genetics (formerly Invitae), Labcorp
Classification: Pathogenic for Bardet-Biedl syndrome. Last evaluated: 2023-11-17. Review status: criteria provided, single submitter. Criteria: Invitae Variant Classification Sherloc (09022015). Collection method: clinical testing. Allele origin: germline.
Comment: This sequence change replaces leucine, which is neutral and non-polar, with arginine, which is basic and polar, at codon 288 of the BBS1 protein (p.Leu288Arg). This variant is not present in population databases (gnomAD no frequency). This missense change has been observed in individual(s) with Bardet-Biedl syndrome (PMID: 20177705, 24611592, 26082521). In at least one individual the data is consistent with being in trans (on the opposite chromosome) from a pathogenic variant. Advanced modeling of protein sequence and biophysical properties (such as structural, functional, and spatial information, amino acid conservation, physicochemical variation, residue mobility, and thermodynamic stability) performed at Invitae indicates that this missense variant is expected to disrupt BBS1 protein function with a positive predictive value of 80%. For these reasons, this variant has been classified as Pathogenic.

Literature cited by the submitters: PubMed 20177705 (cited by Labcorp Genetics (formerly Invitae), Labcorp); PubMed 24611592 (cited by Labcorp Genetics (formerly Invitae), Labcorp); PubMed 26082521 (cited by Labcorp Genetics (formerly Invitae), Labcorp).